The following is an entry in ClinVar:

NM_002775.5(HTRA1):c.656C>T (p.Ala219Val)

Gene: HTRA1 (HtrA serine peptidase 1; plus strand). Cytogenetic location: 10q26.13.
Variant type: single nucleotide variant.
Coding change: c.656C>T on transcript NM_002775.5 (MANE Select); coding-DNA position 656, C replaced by T.
Protein change: p.Ala219Val; replaces alanine 219 with valine.
Molecular consequence: missense variant.
Genome position (GRCh38, 1-based): chr10:122,489,505, C>T. VCF-style: chr10-122489505-C-T. GRCh37 (hg19) VCF-style: chr10-124249021-C-T.
Other names: short protein forms A219V.
Identifiers: ClinVar variation 4747114 (VCV004747114.1).

ClinVar aggregate classification (germline): Uncertain significance (1 of 4 stars; one submission).

Submission:

Labcorp Genetics (formerly Invitae), Labcorp
Classification: Uncertain significance. Last evaluated: 2025-07-31. Review status: criteria provided, single submitter. Criteria: Invitae Variant Classification Sherloc (09022015). Collection method: clinical testing. Allele origin: germline.
Comment: This sequence change replaces alanine, which is neutral and non-polar, with valine, which is neutral and non-polar, at codon 219 of the HTRA1 protein (p.Ala219Val). This variant is not present in population databases (gnomAD no frequency). This variant has not been reported in the literature in individuals affected with HTRA1-related conditions. Invitae Evidence Modeling of protein sequence and biophysical properties (such as structural, functional, and spatial information, amino acid conservation, physicochemical variation, residue mobility, and thermodynamic stability) indicates that this missense variant is expected to disrupt HTRA1 protein function with a positive predictive value of 95%. In summary, the available evidence is currently insufficient to determine the role of this variant in disease. Therefore, it has been classified as a Variant of Uncertain Significance.